The following is an entry in ClinVar:

ClinVar aggregate classification (germline): Uncertain significance. Review status: criteria provided, multiple submitters, no conflicts (2 of 4 stars). 2 submissions from 2 submitters: Uncertain significance (2). Last evaluated 2025-12-16.

Conditions:
Hereditary cancer-predisposing syndrome. Also called: Neoplastic Syndromes, Hereditary; Tumor predisposition; Hereditary neoplastic syndrome; Hereditary Cancer Syndrome. Identifiers: Orphanet 140162, MedGen C0027672, MeSH D009386, MONDO:0015356.

Allele frequency attached by ClinVar (database versions not stated): gnomAD 0.00001; TOPMed 0.00001; gnomAD exomes 0.00002 and 0.00005; ExAC 0.00009.
gnomAD v4.1: 36 of 1,614,122 alleles (0.0022%); highest among the groups gnomAD compares: Non-Finnish European, 0.0025%; no homozygotes.

Submissions (2):

Labcorp Genetics (formerly Invitae), Labcorp
Classification: Uncertain significance. Last evaluated: 2025-12-16. Review status: criteria provided, single submitter. Criteria: Invitae Variant Classification Sherloc (09022015). Collection method: clinical testing. Allele origin: germline.
Comment: This sequence change replaces proline, which is neutral and non-polar, with arginine, which is basic and polar, at codon 124 of the HOXB13 protein (p.Pro124Arg). This variant is present in population databases (rs762666370, gnomAD 0.009%). This variant has not been reported in the literature in individuals affected with HOXB13-related conditions. ClinVar contains an entry for this variant (Variation ID: 824120). Invitae Evidence Modeling of protein sequence and biophysical properties (such as structural, functional, and spatial information, amino acid conservation, physicochemical variation, residue mobility, and thermodynamic stability) indicates that this missense variant is not expected to disrupt HOXB13 protein function with a negative predictive value of 80%. In summary, the available evidence is currently insufficient to determine the role of this variant in disease. Therefore, it has been classified as a Variant of Uncertain Significance.

Ambry Genetics
Classification: Uncertain significance for Hereditary cancer-predisposing syndrome. Last evaluated: 2023-11-02. Review status: criteria provided, single submitter. Criteria: Ambry Variant Classification Scheme 2023. Collection method: clinical testing. Allele origin: germline.
Comment: The p.P124R variant (also known as c.371C>G), located in coding exon 1 of the HOXB13 gene, results from a C to G substitution at nucleotide position 371. The proline at codon 124 is replaced by arginine, an amino acid with dissimilar properties. This amino acid position is not well conserved in available vertebrate species. In addition, this alteration is predicted to be deleterious by in silico analysis. Since supporting evidence is limited at this time, the clinical significance of this alteration remains unclear.

Literature cited by the submitters: PubMed 28272408 (cited by Ambry Genetics).

NM_006361.6(HOXB13):c.371C>G (p.Pro124Arg)

Gene: HOXB13 (homeobox B13; minus strand). Cytogenetic location: 17q21.32.
Variant type: single nucleotide variant.
Coding change: c.371C>G on transcript NM_006361.6 (MANE Select); coding-DNA position 371, C replaced by G.
Protein change: p.Pro124Arg; replaces proline 124 with arginine.
Molecular consequence: missense variant.
Genome position (GRCh38, 1-based): chr17:48,728,223, G>C on the plus strand (C>G on the coding strand, the complement: HOXB13 is on the minus strand). VCF-style: chr17-48728223-G-C. GRCh37 (hg19) VCF-style: chr17-46805585-G-C.
Other names: short protein forms P124R.
Identifiers: ClinVar variation 824120 (VCV000824120.14), dbSNP rs762666370, ClinGen allele CA8633996.